The following is an entry in ClinVar:

ClinVar aggregate classification (germline): Likely benign. Review status: criteria provided, single submitter (1 of 4 stars). 2 submissions from 2 submitters: Likely benign (1). 1 of the submissions does not count toward it.

Allele frequency attached by ClinVar (database versions not stated): 1000 Genomes Project 30x 0.00078; TOPMed 0.00079; gnomAD 0.00092; 1000 Genomes Project 0.00100; ESP Exome Variant Server 0.00108.
gnomAD v4.1: 1,667 of 1,613,836 alleles (0.1%); highest among the groups gnomAD compares: Non-Finnish European, 0.12%; 1 homozygote.

Submissions (2):

PreventionGenetics, part of Exact Sciences
Classification: Likely benign. Review status: criteria provided, single submitter. Criteria: ACMG Guidelines, 2015. Collection method: clinical testing. Allele origin: germline.

Leiden Open Variation Database
Classification: Pathogenic. Last evaluated: 2020-02-28. Review status: no assertion criteria provided. Collection method: curation. Allele origin: germline. Affected: yes. Not counted in ClinVar's aggregate classification.
Comment: Curator: Arleen D. Auerbach. Submitter to LOVD: Johan den Dunnen.

Literature cited by the submitters: PubMed 25533962 (cited by Leiden Open Variation Database).

NM_000135.4(FANCA):c.4167+46C>T

Genes: FANCA (FA complementation group A; minus strand), ZNF276 (zinc finger protein 276; plus strand). Cytogenetic location: 16q24.3.
Variant type: single nucleotide variant.
Coding change: c.4167+46C>T on transcript NM_000135.4 (MANE Select); 46 bases into the intron after coding-DNA position 4167, C replaced by T.
Molecular consequence: intron variant. On other transcripts: 3 prime UTR variant (2), non-coding transcript variant (4).
Genome position (GRCh38, 1-based): chr16:89,739,087, G>A on the plus strand (C>T on the coding strand, the complement: FANCA is on the minus strand). VCF-style: chr16-89739087-G-A. GRCh37 (hg19) VCF-style: chr16-89805495-G-A.
Other names: c.*841G>A (NM_001113525.2, NM_152287.4); c.4171+42C>T (NM_001286167.3).
Identifiers: ClinVar variation 255265 (VCV000255265.4), dbSNP rs191404781, ClinGen allele CA8250742.